The following is an entry in ClinVar:

ClinVar aggregate classification (germline): Uncertain significance. Review status: criteria provided, multiple submitters, no conflicts (2 of 4 stars). 2 submissions from 2 submitters: Uncertain significance (2). Last evaluated 2021-12-11.

Conditions:
Hereditary cancer-predisposing syndrome. Also called: Hereditary Cancer Syndrome; Hereditary neoplastic syndrome; Tumor predisposition; Neoplastic Syndromes, Hereditary. Identifiers: Orphanet 140162, MedGen C0027672, MeSH D009386, MONDO:0015356.
Familial cancer of breast. Also called: BREAST CANCER, FAMILIAL; hereditary breast carcinoma; Hereditary breast cancer. Identifiers: Orphanet 227535, MedGen C0346153, MONDO:0016419, OMIM 114480. Disease mechanism: loss of function.
Fanconi anemia complementation group J. Also called: BRIP1-Related Fanconi Anemia. Identifiers: Orphanet 84, MedGen C1836860, MONDO:0012187, OMIM 609054.

Submissions (2):

Ambry Genetics
Classification: Uncertain significance for Hereditary cancer-predisposing syndrome. Last evaluated: 2021-12-11. Review status: criteria provided, single submitter. Criteria: Ambry Variant Classification Scheme 2023. Collection method: clinical testing. Allele origin: germline.
Comment: The p.L792I variant (also known as c.2374C>A), located in coding exon 15 of the BRIP1 gene, results from a C to A substitution at nucleotide position 2374. The leucine at codon 792 is replaced by isoleucine, an amino acid with highly similar properties. This amino acid position is conserved. In addition, the in silico prediction for this alteration is inconclusive. Since supporting evidence is limited at this time, the clinical significance of this alteration remains unclear.

Labcorp Genetics (formerly Invitae), Labcorp
Classification: Uncertain significance for Familial cancer of breast; Fanconi anemia complementation group J. Last evaluated: 2020-12-20. Review status: criteria provided, single submitter. Criteria: Invitae Variant Classification Sherloc (09022015). Collection method: clinical testing. Allele origin: germline.
Comment: In summary, the available evidence is currently insufficient to determine the role of this variant in disease. Therefore, it has been classified as a Variant of Uncertain Significance. Algorithms developed to predict the effect of missense changes on protein structure and function (SIFT, PolyPhen-2, Align-GVGD) all suggest that this variant is likely to be tolerated, but these predictions have not been confirmed by published functional studies and their clinical significance is uncertain. This variant has not been reported in the literature in individuals with BRIP1-related conditions. This variant is not present in population databases (ExAC no frequency). This sequence change replaces leucine with isoleucine at codon 792 of the BRIP1 protein (p.Leu792Ile). The leucine residue is highly conserved and there is a small physicochemical difference between leucine and isoleucine.

NM_032043.3(BRIP1):c.2374C>A (p.Leu792Ile)

Gene: BRIP1 (BRCA1 interacting DNA helicase 1; minus strand). Cytogenetic location: 17q23.2.
Variant type: single nucleotide variant.
Coding change: c.2374C>A on transcript NM_032043.3 (MANE Select); coding-DNA position 2374, C replaced by A.
Protein change: p.Leu792Ile; replaces leucine 792 with isoleucine.
Molecular consequence: missense variant.
Genome position (GRCh38, 1-based): chr17:61,743,018, G>T on the plus strand (C>A on the coding strand, the complement: BRIP1 is on the minus strand). VCF-style: chr17-61743018-G-T. GRCh37 (hg19) VCF-style: chr17-59820379-G-T.
Other names: short protein forms L792I.
Identifiers: ClinVar variation 1358082 (VCV001358082.11), dbSNP rs2144675104, ClinGen allele CA400482531.